The following is an entry in ClinVar:

NM_000346.4(SOX9):c.533G>A (p.Arg178Gln)

Gene: SOX9 (SRY-box transcription factor 9; plus strand). Cytogenetic location: 17q24.3.
Variant type: single nucleotide variant.
Coding change: c.533G>A on transcript NM_000346.4 (MANE Select); coding-DNA position 533, G replaced by A.
Protein change: p.Arg178Gln; replaces arginine 178 with glutamine.
Molecular consequence: missense variant.
Genome position (GRCh38, 1-based): chr17:72,122,820, G>A. VCF-style: chr17-72122820-G-A. GRCh37 (hg19) VCF-style: chr17-70118961-G-A.
Other names: short protein forms R178Q.
Identifiers: ClinVar variation 4747512 (VCV004747512.1).

ClinVar aggregate classification (germline): Uncertain significance (1 of 4 stars; one submission).

Conditions:
Camptomelic dysplasia (CMPD). Also called: Campomelic Dysplasia; CMPD1/SRA1. Identifiers: Orphanet 140, MedGen C1861922, MONDO:0007251, OMIM 114290.

Submission:

Labcorp Genetics (formerly Invitae), Labcorp
Classification: Uncertain significance for Camptomelic dysplasia. Last evaluated: 2025-02-27. Review status: criteria provided, single submitter. Criteria: Invitae Variant Classification Sherloc (09022015). Collection method: clinical testing. Allele origin: germline.
Comment: This sequence change replaces arginine, which is basic and polar, with glutamine, which is neutral and polar, at codon 178 of the SOX9 protein (p.Arg178Gln). This variant is not present in population databases (gnomAD no frequency). This variant has not been reported in the literature in individuals affected with SOX9-related conditions. Invitae Evidence Modeling of protein sequence and biophysical properties (such as structural, functional, and spatial information, amino acid conservation, physicochemical variation, residue mobility, and thermodynamic stability) has been performed for this missense variant. However, the output from this modeling did not meet the statistical confidence thresholds required to predict the impact of this variant on SOX9 protein function. In summary, the available evidence is currently insufficient to determine the role of this variant in disease. Therefore, it has been classified as a Variant of Uncertain Significance.